The following is an entry in ClinVar:

NM_020975.6(RET):c.1538C>T (p.Ala513Val)

Gene: RET (ret proto-oncogene; plus strand). Cytogenetic location: 10q11.21.
Variant type: single nucleotide variant.
Coding change: c.1538C>T on transcript NM_020975.6 (MANE Select); coding-DNA position 1538, C replaced by T.
Protein change: p.Ala513Val; replaces alanine 513 with valine.
Molecular consequence: missense variant.
Genome position (GRCh38, 1-based): chr10:43,112,114, C>T. VCF-style: chr10-43112114-C-T. GRCh37 (hg19) VCF-style: chr10-43607562-C-T.
Other names: c.1538C>T, p.Ala513Val (NM_000323.2, NM_001406743.1, NM_001406744.1 and 6 more transcripts); c.776C>T, p.Ala259Val (NM_001355216.2); c.1409C>T, p.Ala470Val (NM_001406761.1, NM_001406762.1, NM_001406764.1 and 1 more transcripts); c.1250C>T, p.Ala417Val (NM_001406766.1, NM_001406767.1, NM_001406770.1); c.1142C>T, p.Ala381Val (NM_001406769.1, NM_001406772.1); c.1100C>T, p.Ala367Val (NM_001406771.1, NM_001406773.1); c.1013C>T, p.Ala338Val (NM_001406774.1); c.812C>T, p.Ala271Val (NM_001406775.1, NM_001406776.1, NM_001406777.1 and 1 more transcripts); and 5 more; short protein forms A513V, A259V, A171V, A30V, A417V, A183V, A271V, A338V.
Identifiers: ClinVar variation 241338 (VCV000241338.21), dbSNP rs149238501, ClinGen allele CA10582720.

ClinVar aggregate classification (germline): Conflicting classifications of pathogenicity. Review status: criteria provided, conflicting classifications (1 of 4 stars). 8 submissions from 8 submitters: Uncertain significance (6); Likely benign (1). 1 of the submissions does not count toward it. Last evaluated 2026-06-27.

Conditions:
Pheochromocytoma. Also called: MAX-Related Hereditary Paraganglioma-Pheochromocytoma Syndrome. Identifiers: Orphanet 29072, MedGen C0031511, MONDO:0008233, OMIM 171300, HP:0002666.
Hirschsprung disease, susceptibility to, 1 (HSCR1). Also called: RET-Related Hirschsprung Disease. Identifiers: Orphanet 388, MedGen C3888239, MONDO:0007723, OMIM 142623.
Familial medullary thyroid carcinoma (MTC). Also called: Thyroid cancer, familial medullary; MTC, familial; Familial Medullary Thyroid Carcinoma (FMTC). Identifiers: Orphanet 653, Orphanet 99361, MedGen C1833921, MONDO:0007958, OMIM 155240.
Multiple endocrine neoplasia type 2B. Also called: WAGENMANN-FROBOESE SYNDROME; MULTIPLE ENDOCRINE NEOPLASIA, TYPE III; MEN 2B; MUCOSAL NEUROMA SYNDROME; MULTIPLE ENDOCRINE NEOPLASIA, TYPE IIB; MEN IIB. Identifiers: Orphanet 247709, Orphanet 653, MedGen C0025269, MeSH D018814, MONDO:0008082, OMIM 162300.
Multiple endocrine neoplasia type 2A. Also called: MULTIPLE ENDOCRINE NEOPLASIA, TYPE IIA; PTC SYNDROME; SIPPLE SYNDROME; MEN 2A; MEN-2A syndrome; Pheochromocytoma and amyloid producing medullary thyroid carcinoma. Identifiers: Orphanet 247698, Orphanet 653, MedGen C0025268, MeSH D018813, MONDO:0008234, OMIM 171400.
RET-related disorder. Also called: RET-related disorders; RET-related condition; RET-related disease.
Hereditary cancer-predisposing syndrome. Also called: Tumor predisposition; Hereditary neoplastic syndrome; Neoplastic Syndromes, Hereditary; Hereditary Cancer Syndrome. Identifiers: Orphanet 140162, MedGen C0027672, MeSH D009386, MONDO:0015356.
Multiple endocrine neoplasia, type 2 (MEN2). Identifiers: Orphanet 653, MedGen C4048306, MONDO:0019003. Disease mechanism: gain of function.

gnomAD v4.1: 17 of 1,601,872 alleles (0.0011%); highest among the groups gnomAD compares: Middle Eastern, 0.033%; no homozygotes.

Submissions (8):

PreventionGenetics, part of Exact Sciences
Classification: Uncertain significance for RET-related condition. Last evaluated: 2026-06-27. Review status: criteria provided, single submitter. Criteria: ACMG Guidelines, 2015. Collection method: clinical testing. Allele origin: germline.
Comment: The RET c.1538C>T variant is predicted to result in the amino acid substitution p.Ala513Val. To our knowledge, this variant has not been reported in the literature or in a large population database (gnomAD), indicating this variant is rare. This variant has been interpreted as uncertain in the ClinVar database (Variation ID: 241338). At this time, the clinical significance of this variant is uncertain due to the absence of conclusive functional and genetic evidence.

Ambry Genetics
Classification: Likely benign for Hereditary cancer-predisposing syndrome. Last evaluated: 2026-05-07. Review status: criteria provided, single submitter. Criteria: Ambry Variant Classification Scheme 2023. Collection method: clinical testing. Allele origin: germline.

Labcorp Genetics (formerly Invitae), Labcorp
Classification: Uncertain significance for Multiple endocrine neoplasia, type 2. Last evaluated: 2026-01-12. Review status: criteria provided, single submitter. Criteria: Invitae Variant Classification Sherloc (09022015). Collection method: clinical testing. Allele origin: germline.
Comment: This sequence change replaces alanine, which is neutral and non-polar, with valine, which is neutral and non-polar, at codon 513 of the RET protein (p.Ala513Val). This variant is not present in population databases (gnomAD no frequency). This variant has not been reported in the literature in individuals affected with RET-related conditions. ClinVar contains an entry for this variant (Variation ID: 241338). An algorithm developed to predict the effect of missense changes on protein structure and function (PolyPhen-2) suggests that this variant is likely to be tolerated. In summary, the available evidence is currently insufficient to determine the role of this variant in disease. Therefore, it has been classified as a Variant of Uncertain Significance.

Quest Diagnostics Nichols Institute San Juan Capistrano
Classification: Uncertain significance. Last evaluated: 2025-05-31. Review status: criteria provided, single submitter. Criteria: Quest Diagnostics criteria. Collection method: clinical testing. Allele origin: unknown.

GeneDx
Classification: Uncertain significance. Last evaluated: 2024-10-08. Review status: criteria provided, single submitter. Criteria: GeneDx Variant Classification Process June 2021. Collection method: clinical testing. Allele origin: germline. Affected: yes.
Comment: Not observed at significant frequency in large population cohorts (gnomAD); In silico analysis indicates that this missense variant does not alter protein structure/function; Has not been previously published as pathogenic or benign to our knowledge; This variant is associated with the following publications: (PMID: 36251279, 14633923)

Fulgent Genetics
Classification: Uncertain significance for Hirschsprung disease, susceptibility to, 1; Familial medullary thyroid carcinoma; Multiple endocrine neoplasia type 2B; Pheochromocytoma; Multiple endocrine neoplasia type 2A. Last evaluated: 2024-01-17. Review status: criteria provided, single submitter. Criteria: ACMG Guidelines, 2015. Collection method: clinical testing. Allele origin: germline.

Myriad Genetics, Inc.
Classification: Uncertain significance for Multiple endocrine neoplasia type 2A. Last evaluated: 2023-04-17. Review status: criteria provided, single submitter. Criteria: Myriad Autosomal Dominant, Autosomal Recessive and X-Linked Classification Criteria (2023). Collection method: clinical testing. Allele origin: unknown.
Comment: This variant is classified as a variant of uncertain significance as there is insufficient evidence to determine its impact on protein function and/or cancer risk.

Counsyl
Classification: Uncertain significance for Multiple endocrine neoplasia type 2A. Last evaluated: 2018-01-10. Review status: no assertion criteria provided. Collection method: clinical testing. Allele origin: unknown. Not counted in ClinVar's aggregate classification.